The following is an entry in ClinVar:

ClinVar aggregate classification (germline): Uncertain significance (1 of 4 stars; one submission).

Allele frequency attached by ClinVar (database versions not stated): gnomAD exomes below 0.00001; ExAC 0.00001.

Submission:

Women's Health and Genetics/Laboratory Corporation of America, LabCorp
Classification: Uncertain significance. Last evaluated: 2024-03-11. Review status: criteria provided, single submitter. Criteria: LabCorp Variant Classification Summary - May 2015. Collection method: clinical testing. Allele origin: germline.
Comment: Variant summary: CRLF1 c.803T>C (p.Phe268Ser) results in a non-conservative amino acid change located in the Fibronectin type III (IPR003961) of the encoded protein sequence. Four of five in-silico tools predict a damaging effect of the variant on protein function. The variant allele was found at a frequency of 4e-06 in 251104 control chromosomes. The available data on variant occurrences in the general population are insufficient to allow any conclusion about variant significance. c.803T>C has been reported in the literature in individuals affected with Cold-Induced Sweating Syndrome (Piras_2014). These report(s) do not provide unequivocal conclusions about association of the variant with Cold-Induced Sweating Syndrome. To our knowledge, no experimental evidence demonstrating an impact on protein function has been reported. The following publication have been ascertained in the context of this evaluation (PMID: 24488861). No submitters have cited clinical-significance assessments for this variant to ClinVar. Based on the evidence outlined above, the variant was classified as uncertain significance.

Literature cited by the submitters: PubMed 24488861.

NM_004750.5(CRLF1):c.803T>C (p.Phe268Ser)

Genes: CRLF1 (cytokine receptor like factor 1; minus strand), LOC112543470 (Sharpr-MPRA regulatory region 11645; plus strand). Cytogenetic location: 19p13.11.
Variant type: single nucleotide variant.
Coding change: c.803T>C on transcript NM_004750.5 (MANE Select); coding-DNA position 803, T replaced by C.
Protein change: p.Phe268Ser; replaces phenylalanine 268 with serine.
Molecular consequence: missense variant.
Genome position (GRCh38, 1-based): chr19:18,596,944, A>G on the plus strand (T>C on the coding strand, the complement: CRLF1 is on the minus strand). VCF-style: chr19-18596944-A-G. GRCh37 (hg19) VCF-style: chr19-18707754-A-G.
Other names: short protein forms F268S.
Identifiers: ClinVar variation 3233534 (VCV003233534.2), dbSNP rs761982168, ClinGen allele CA9314102.